The following is an entry in ClinVar:

ClinVar aggregate classification (germline): Pathogenic (1 of 4 stars; one submission).

Submission:

Labcorp Genetics (formerly Invitae), Labcorp
Classification: Pathogenic. Last evaluated: 2022-10-05. Review status: criteria provided, single submitter. Criteria: Invitae Variant Classification Sherloc (09022015). Collection method: clinical testing. Allele origin: germline.
Comment: This variant is a gross deletion of the genomic region encompassing exon(s) 3-4 of the PROM1 gene. This deletion is out-of-frame, and is expected to create a premature termination codon and result in an absent or disrupted protein product. Loss-of-function variants in PROM1 are known to be pathogenic (PMID: 17605048, 19718270, 24154662, 25474345). For these reasons, this variant has been classified as Pathogenic. This variant has not been reported in the literature in individuals affected with PROM1-related conditions.

Literature cited by the submitters: PubMed 17605048; PubMed 19718270; PubMed 24154662; PubMed 25474345.

NC_000004.11:g.(?_16034907)_(16037404_?)del

Gene: PROM1 (prominin 1; minus strand). Cytogenetic location: 4p15.32.
Variant type: Deletion.
Identifiers: ClinVar variation 1076229 (VCV001076229.3).